The following is an entry in ClinVar:

ClinVar aggregate classification (germline): Uncertain significance. Review status: criteria provided, multiple submitters, no conflicts (2 of 4 stars). 2 submissions from 2 submitters: Uncertain significance (2). Last evaluated 2025-10-27.

Conditions:
Hereditary cancer-predisposing syndrome. Also called: Neoplastic Syndromes, Hereditary; Tumor predisposition; Hereditary Cancer Syndrome; Hereditary neoplastic syndrome. Identifiers: Orphanet 140162, MedGen C0027672, MeSH D009386, MONDO:0015356.

Allele frequency attached by ClinVar (database versions not stated): TOPMed below 0.00001.

Submissions (2):

Labcorp Genetics (formerly Invitae), Labcorp
Classification: Uncertain significance. Last evaluated: 2025-10-27. Review status: criteria provided, single submitter. Criteria: Invitae Variant Classification Sherloc (09022015). Collection method: clinical testing. Allele origin: germline.
Comment: This sequence change affects the initiator codon of the HOXB13 mRNA. This change may impact translation initiation or efficiency. The next in-frame methionine is located at codon 43. This variant is not present in population databases (gnomAD no frequency). This variant has not been reported in the literature in individuals affected with HOXB13-related conditions. ClinVar contains an entry for this variant (Variation ID: 1736897). In summary, the available evidence is currently insufficient to determine the role of this variant in disease. Therefore, it has been classified as a Variant of Uncertain Significance.

Ambry Genetics
Classification: Uncertain significance for Hereditary cancer-predisposing syndrome. Last evaluated: 2025-02-26. Review status: criteria provided, single submitter. Criteria: Ambry Variant Classification Scheme 2023. Collection method: clinical testing. Allele origin: germline.
Comment: The p.M1? variant (also known as c.3G>A) is located in coding exon 1 of the HOXB13 gene and results from a G to A substitution at nucleotide position 3. This alters the methionine residue at the initiation codon. Variations that modify the initiation codon (ATG) are expected to result in either loss of translation initiation, N-terminal truncation, or cause a shift in the mRNA reading frame; however, loss of function via haploinsufficiency in HOXB13 has not been clearly established as a mechanism of disease. Since supporting evidence is limited at this time, the clinical significance of this alteration remains unclear.

NM_006361.6(HOXB13):c.3G>A (p.Met1Ile)

Gene: HOXB13 (homeobox B13; minus strand). Cytogenetic location: 17q21.32.
Variant type: single nucleotide variant.
Coding change: c.3G>A on transcript NM_006361.6 (MANE Select); coding-DNA position 3, G replaced by A.
Protein change: p.Met1Ile; changes the start codon (methionine 1).
Molecular consequence: missense variant, initiator codon variant.
Genome position (GRCh38, 1-based): chr17:48,728,591, C>T on the plus strand (G>A on the coding strand, the complement: HOXB13 is on the minus strand). VCF-style: chr17-48728591-C-T. GRCh37 (hg19) VCF-style: chr17-46805953-C-T.
Other names: short protein forms M1I.
Identifiers: ClinVar variation 1736897 (VCV001736897.7), dbSNP rs1323867398, ClinGen allele CA400110040.